The following is an entry in ClinVar:

ClinVar aggregate classification (germline): Uncertain significance (1 of 4 stars; one submission).

Conditions:
Nemaline myopathy 2 (NEM2). Also called: Nemaline myopathy 2, autosomal recessive. Identifiers: MedGen C1850569, MONDO:0009725, OMIM 256030.

Submission:

Labcorp Genetics (formerly Invitae), Labcorp
Classification: Uncertain significance for Nemaline myopathy 2. Last evaluated: 2021-08-28. Review status: criteria provided, single submitter. Criteria: Invitae Variant Classification Sherloc (09022015). Collection method: clinical testing. Allele origin: germline.
Comment: This sequence change replaces lysine with glutamine at codon 2029 of the NEB protein (p.Lys2029Gln). The lysine residue is moderately conserved and there is a small physicochemical difference between lysine and glutamine. This variant is not present in population databases (ExAC no frequency). This variant has not been reported in the literature in individuals affected with NEB-related conditions. Algorithms developed to predict the effect of missense changes on protein structure and function are either unavailable or do not agree on the potential impact of this missense change (SIFT: "Deleterious"; PolyPhen-2: "Not Available"; Align-GVGD: "Class C0"). In summary, the available evidence is currently insufficient to determine the role of this variant in disease. Therefore, it has been classified as a Variant of Uncertain Significance.

NM_001164508.2(NEB):c.6085A>C (p.Lys2029Gln)

Gene: NEB (nebulin; minus strand). Cytogenetic location: 2q23.3.
Variant type: single nucleotide variant.
Coding change: c.6085A>C on transcript NM_001164508.2 (MANE Select); coding-DNA position 6085, A replaced by C.
Protein change: p.Lys2029Gln; replaces lysine 2029 with glutamine.
Molecular consequence: missense variant.
Genome position (GRCh38, 1-based): chr2:151,658,081, T>G on the plus strand (A>C on the coding strand, the complement: NEB is on the minus strand). VCF-style: chr2-151658081-T-G. GRCh37 (hg19) VCF-style: chr2-152514595-T-G.
Other names: c.6085A>C, p.Lys2029Gln (NM_001164507.2, NM_001271208.2, NM_004543.5); short protein forms K2029Q.
Identifiers: ClinVar variation 662163 (VCV000662163.6), dbSNP rs1387009037, ClinGen allele CA348802492.